The following is an entry in ClinVar:

ClinVar aggregate classification (germline): Benign/Likely benign. Review status: criteria provided, multiple submitters, no conflicts (2 of 4 stars). 5 submissions from 5 submitters: Benign (1); Likely benign (3). 1 of the submissions does not count toward it. Last evaluated 2025-05-15.

Conditions:
ATM-related disorder. Also called: ATM-related disorders; ATM-related condition.
Hereditary cancer-predisposing syndrome. Also called: Tumor predisposition; Hereditary Cancer Syndrome; Neoplastic Syndromes, Hereditary; Hereditary neoplastic syndrome. Identifiers: Orphanet 140162, MedGen C0027672, MeSH D009386, MONDO:0015356.
Familial cancer of breast. Also called: Hereditary breast cancer; hereditary breast carcinoma; BREAST CANCER, FAMILIAL. Identifiers: Orphanet 227535, MedGen C0346153, MONDO:0016419, OMIM 114480. Disease mechanism: loss of function.
Ataxia-telangiectasia syndrome (AT). Also called: Cerebello-oculocutaneous telangiectasia; Immunodeficiency with ataxia telangiectasia; Ataxia-telangiectasia, complementation group D; AT, COMPLEMENTATION GROUP C; Ataxia-telangiectasia, complementation group E; LOUIS-BAR SYNDROME. Identifiers: Orphanet 100, MedGen C0004135, MONDO:0008840, OMIM 208900.

Allele frequency attached by ClinVar (database versions not stated): ExAC 0.00001; gnomAD exomes 0.00001.
gnomAD v4.1: 1 of 1,610,260 alleles (0.000062%); highest among the groups gnomAD compares: Admixed American, 0.0017%; no homozygotes.

Submissions (5):

Labcorp Genetics (formerly Invitae), Labcorp
Classification: Likely benign for Ataxia-telangiectasia syndrome. Last evaluated: 2025-05-15. Review status: criteria provided, single submitter. Criteria: Invitae Variant Classification Sherloc (09022015). Collection method: clinical testing. Allele origin: germline.

Myriad Genetics, Inc.
Classification: Benign for Familial cancer of breast. Last evaluated: 2024-05-21. Review status: criteria provided, single submitter. Criteria: Myriad Autosomal Dominant, Autosomal Recessive and X-Linked Classification Criteria (2023). Collection method: clinical testing. Allele origin: unknown.
Comment: This variant is considered benign. This variant is a silent/synonymous amino acid change and it is not expected to impact splicing.

Color Diagnostics, LLC DBA Color Health
Classification: Likely benign for Hereditary cancer-predisposing syndrome. Last evaluated: 2021-08-04. Review status: criteria provided, single submitter. Criteria: ACMG Guidelines, 2015. Collection method: clinical testing. Allele origin: germline.

Ambry Genetics
Classification: Likely benign for Hereditary cancer-predisposing syndrome. Last evaluated: 2016-01-12. Review status: criteria provided, single submitter. Criteria: Ambry Variant Classification Scheme 2023. Collection method: clinical testing. Allele origin: germline.

PreventionGenetics, part of Exact Sciences
Classification: Likely benign for ATM-related condition. Last evaluated: 2022-05-06. Review status: no assertion criteria provided. Collection method: clinical testing. Allele origin: germline. Not counted in ClinVar's aggregate classification.
Comment: This variant is classified as likely benign based on ACMG/AMP sequence variant interpretation guidelines (Richards et al. 2015 PMID: 25741868, with internal and published modifications).

NM_000051.4(ATM):c.4770C>T (p.Leu1590=)

Gene: ATM (ATM serine/threonine kinase; plus strand). Cytogenetic location: 11q22.3.
Variant type: single nucleotide variant.
Coding change: c.4770C>T on transcript NM_000051.4 (MANE Select); coding-DNA position 4770, C replaced by T.
Protein change: p.Leu1590=; no amino-acid change (leucine 1590 retained).
Molecular consequence: synonymous variant.
Genome position (GRCh38, 1-based): chr11:108,293,471, C>T. VCF-style: chr11-108293471-C-T. GRCh37 (hg19) VCF-style: chr11-108164198-C-T.
Other names: c.4770C>T, p.Leu1590= (NM_001351834.2).
Identifiers: ClinVar variation 453538 (VCV000453538.19), dbSNP rs749475519, ClinGen allele CA6265536.
Genomic context (GRCh38, chr11:108,293,471, plus strand): 5'-TTTTAAGGATTTGCGTATTACTCAGCAAAAAATCAAATACAGTAGAGGACCCTTTTCACT[C>T]TTGGAGGTAATAAAAATTTCATCATCTACTATTTTTTATTAGAGAACATAGTAGTACTTT-3'
Protein context (NP_000042.3, residues 1580-1600): KIKYSRGPFS[Leu1590=]LEEINHFLSV